The following is an entry in ClinVar:

ClinVar aggregate classification (germline): Uncertain significance (1 of 4 stars; one submission).

Submission:

Labcorp Genetics (formerly Invitae), Labcorp
Classification: Uncertain significance. Last evaluated: 2025-09-02. Review status: criteria provided, single submitter. Criteria: Invitae Variant Classification Sherloc (09022015). Collection method: clinical testing. Allele origin: germline.
Comment: This sequence change affects codon 322 of the KCNJ11 mRNA. It is a 'silent' change, meaning that it does not change the encoded amino acid sequence of the KCNJ11 protein. This variant is present in population databases (rs746578913, gnomAD 0.01%). This variant has not been reported in the literature in individuals affected with KCNJ11-related conditions. In summary, the available evidence is currently insufficient to determine the role of this variant in disease. Therefore, it has been classified as a Variant of Uncertain Significance.

NM_000525.4(KCNJ11):c.966G>A (p.Glu322=)

Gene: KCNJ11 (potassium inwardly rectifying channel subfamily J member 11; minus strand). Cytogenetic location: 11p15.1.
Variant type: single nucleotide variant.
Coding change: c.966G>A on transcript NM_000525.4 (MANE Select); coding-DNA position 966, G replaced by A.
Protein change: p.Glu322=; no amino-acid change (glutamic acid 322 retained).
Molecular consequence: synonymous variant.
Genome position (GRCh38, 1-based): chr11:17,387,126, C>T on the plus strand (G>A on the coding strand, the complement: KCNJ11 is on the minus strand). VCF-style: chr11-17387126-C-T. GRCh37 (hg19) VCF-style: chr11-17408673-C-T.
Other names: c.705G>A, p.Glu235= (NM_001166290.2, NM_001377296.1, NM_001377297.1).
Identifiers: ClinVar variation 4777436 (VCV004777436.1).